The following is an entry in ClinVar:

NM_016239.4(MYO15A):c.7758G>A (p.Pro2586=)

Gene: MYO15A (myosin XVA; plus strand). Cytogenetic location: 17p11.2.
Variant type: single nucleotide variant.
Coding change: c.7758G>A on transcript NM_016239.4 (MANE Select); coding-DNA position 7758, G replaced by A.
Protein change: p.Pro2586=; no amino-acid change (proline 2586 retained).
Molecular consequence: synonymous variant.
Genome position (GRCh38, 1-based): chr17:18,151,498, G>A. VCF-style: chr17-18151498-G-A. GRCh37 (hg19) VCF-style: chr17-18054812-G-A.
Identifiers: ClinVar variation 164551 (VCV000164551.14), dbSNP rs566210647, ClinGen allele CA177252.

ClinVar aggregate classification (germline): Conflicting classifications of pathogenicity. Review status: criteria provided, conflicting classifications (1 of 4 stars). 3 submissions from 3 submitters: Uncertain significance (1); Likely benign (2). Last evaluated 2024-05-23.

Conditions:
Autosomal recessive nonsyndromic hearing loss 3. Also called: NEUROSENSORY NONSYNDROMIC RECESSIVE DEAFNESS 3. Identifiers: Orphanet 90636, MedGen C1838263, MONDO:0010860, OMIM 600316.

Allele frequency attached by ClinVar (database versions not stated): gnomAD 0.00001 and 0.00002; ExAC 0.00004; TOPMed 0.00004; 1000 Genomes Project 30x 0.00016; 1000 Genomes Project 0.00020.

Submissions (3):

Labcorp Genetics (formerly Invitae), Labcorp
Classification: Likely benign. Last evaluated: 2024-05-23. Review status: criteria provided, single submitter. Criteria: Invitae Variant Classification Sherloc (09022015). Collection method: clinical testing. Allele origin: germline.

Illumina Laboratory Services, Illumina
Classification: Uncertain significance for Autosomal recessive nonsyndromic hearing loss 3. Last evaluated: 2018-01-13. Review status: criteria provided, single submitter. Criteria: ICSL Variant Classification Criteria 13 December 2019. Collection method: clinical testing. Allele origin: germline.

Laboratory for Molecular Medicine, Mass General Brigham Personalized Medicine
Classification: Likely benign. Last evaluated: 2014-08-19. Review status: criteria provided, single submitter. Criteria: LMM Criteria. Collection method: clinical testing. Allele origin: germline. Observed: 1 variant allele.
Comment: Pro2586Pro in exon 40 of MYO15A: This variant is not expected to have clinical s ignificance because it does not alter an amino acid residue and is not located w ithin the splice consensus sequence.